The following is an entry in ClinVar:

NM_000038.6(APC):c.8261G>A (p.Ser2754Asn)

Gene: APC (APC regulator of Wnt signaling pathway; plus strand). Cytogenetic location: 5q22.2.
Variant type: single nucleotide variant.
Coding change: c.8261G>A on transcript NM_000038.6 (MANE Select); coding-DNA position 8261, G replaced by A.
Protein change: p.Ser2754Asn; replaces serine 2754 with asparagine.
Molecular consequence: missense variant.
Genome position (GRCh38, 1-based): chr5:112,843,855, G>A. VCF-style: chr5-112843855-G-A. GRCh37 (hg19) VCF-style: chr5-112179552-G-A.
Other names: p.S2754N:AGT>AAT; c.8261G>A, p.Ser2754Asn (NM_001127510.3, NM_001354895.2); c.8207G>A, p.Ser2736Asn (NM_001127511.3); c.8315G>A, p.Ser2772Asn (NM_001354896.2); c.8291G>A, p.Ser2764Asn (NM_001354897.2); c.8186G>A, p.Ser2729Asn (NM_001354898.2); c.8177G>A, p.Ser2726Asn (NM_001354899.2); c.8138G>A, p.Ser2713Asn (NM_001354900.2); and 6 more; short protein forms S2754N, S2736N, S2653N, S2663N, S2764N, S2772N, S2594N, S2695N.
Identifiers: ClinVar variation 127325 (VCV000127325.60), dbSNP rs369721828, ClinGen allele CA014491.
Genomic context (GRCh38, chr5:112,843,855, plus strand): 5'-AAGGAACTGAGATAAAACCAGGACAAAATAATCCTGTCCCTGTATCAGAGACTAATGAAA[G>A]TTCTATAGTGGAACGTACCCCATTCAGTTCTAGCAGCTCAAGCAAACACAGTTCACCTAG-3'
Protein context (NP_000029.2, residues 2744-2764): NPVPVSETNE[Ser2754Asn]SIVERTPFSS

ClinVar aggregate classification (germline): Conflicting classifications of pathogenicity. Review status: criteria provided, conflicting classifications (1 of 4 stars). 16 submissions from 16 submitters: Uncertain significance (2); Benign (3); Likely benign (9). 2 of the submissions do not count toward it. Last evaluated 2026-01-20.

Conditions:
Classic or attenuated familial adenomatous polyposis. Identifiers: MedGen CN372698, MONDO:0021057.
APC-related disorder. Also called: APC-related condition.
Hereditary cancer-predisposing syndrome. Also called: Tumor predisposition; Hereditary neoplastic syndrome; Neoplastic Syndromes, Hereditary; Hereditary Cancer Syndrome. Identifiers: Orphanet 140162, MedGen C0027672, MeSH D009386, MONDO:0015356.
Familial adenomatous polyposis 1 (FAP1). Also called: FAMILIAL ADENOMATOUS POLYPOSIS 1, ATTENUATED; POLYPOSIS, ADENOMATOUS INTESTINAL. Identifiers: MedGen C2713442, MONDO:0021056, OMIM 175100. Disease mechanism: loss of function.
Desmoid disease, hereditary (DESMD). Also called: FIBROMATOSIS, FAMILIAL INFILTRATIVE. Identifiers: Orphanet 873, MedGen C1851124, OMIM 135290. Disease mechanism: loss of function.

Allele frequency attached by ClinVar (database versions not stated): gnomAD 0.00003 and 0.00004; gnomAD exomes 0.00004 and 0.00008; ExAC 0.00005; TOPMed 0.00005; ESP Exome Variant Server 0.00015.
gnomAD v4.1: 71 of 1,613,890 alleles (0.0044%); highest among the groups gnomAD compares: Non-Finnish European, 0.00051%; no homozygotes.

Submissions (16):

Labcorp Genetics (formerly Invitae), Labcorp
Classification: Likely benign for Familial adenomatous polyposis 1. Last evaluated: 2026-01-20. Review status: criteria provided, single submitter. Criteria: Invitae Variant Classification Sherloc (09022015). Collection method: clinical testing. Allele origin: germline.

Quest Diagnostics Nichols Institute San Juan Capistrano
Classification: Benign. Last evaluated: 2025-07-18. Review status: criteria provided, single submitter. Criteria: Quest Diagnostics criteria. Collection method: clinical testing. Allele origin: unknown.

Center for Genomic Medicine, Rigshospitalet, Copenhagen University Hospital
Classification: Likely benign. Last evaluated: 2025-03-04. Review status: criteria provided, single submitter. Criteria: ACMG Guidelines, 2015. Collection method: clinical testing. Allele origin: germline.

Women's Health and Genetics/Laboratory Corporation of America, LabCorp
Classification: Likely benign. Last evaluated: 2024-11-14. Review status: criteria provided, single submitter. Criteria: LabCorp Variant Classification Summary - May 2015. Collection method: clinical testing. Allele origin: germline.
Comment: Variant summary: APC c.8261G>A (p.Ser2754Asn) results in a conservative amino acid change located in the EB-1 Binding Domain (IPR009232) of the encoded protein sequence. Five of five in-silico tools predict a benign effect of the variant on protein function. The variant allele was found at a frequency of 8.4e-05 in 251092 control chromosomes, predominantly in the Ashkenazi Jewish population at a frequency of 0.0016 in 10064 control chromosomes. The observed variant frequency is approximately 1.2-fold (general population) or 22-fold (Ashkenazi Jewish subpopulation) of the estimated maximal expected allele frequency for a pathogenic variant in APC causing Familial Adenomatous Polyposis phenotype (7.1e-05), suggesting this is likely a benign polymorphism found primarily in Ashkenazi Jewish individuals. c.8261G>A has been reported in the literature in at least one individual affected with colorectal cancer without evidence of causality (e.g. Pearlman_2017). This report does not provide unequivocal conclusions about association of the variant with Familial Adenomatous Polyposis. To our knowledge, no experimental evidence demonstrating an impact on protein function has been reported. The following publication has been ascertained in the context of this evaluation (PMID: 27978560). ClinVar contains an entry for this variant (Variation ID: 127325). Based on the evidence outlined above, the variant was classified as likely benign.

CeGaT Center for Human Genetics Tuebingen
Classification: Likely benign. Last evaluated: 2024-10-01. Review status: criteria provided, single submitter. Criteria: CeGaT Center For Human Genetics Tuebingen Variant Classification Criteria Version 2. Collection method: clinical testing. Allele origin: germline. Affected: yes. Observed: 3 variant alleles.
Comment: APC: BP4

Color Diagnostics, LLC DBA Color Health
Classification: Benign for Hereditary cancer-predisposing syndrome. Last evaluated: 2024-09-19. Review status: criteria provided, single submitter. Criteria: ACMG Guidelines, 2015. Collection method: clinical testing. Allele origin: germline.

Blueprint Genetics
Classification: Likely benign. Last evaluated: 2024-07-12. Review status: criteria provided, single submitter. Criteria: ACMG Guidelines, 2015. Collection method: clinical testing. Allele origin: germline.

All of Us Research Program, National Institutes of Health
Classification: Likely benign for Classic or attenuated familial adenomatous polyposis. Last evaluated: 2024-02-05. Review status: criteria provided, single submitter. Criteria: ACMG Guidelines, 2015. Collection method: clinical testing. Allele origin: germline. Inheritance: Autosomal dominant inheritance. Observed: 30 variant alleles, 30 heterozygotes.
Comment: This study involves interpretation of variants in research participants for the purpose of population health screening. Participant phenotype was not available at the time of variant classification. Additional details can be found in publication PMID: 35346344, PMCID: PMC8962531

Department of Pathology and Laboratory Medicine, Sinai Health System
Classification: Likely benign for Desmoid disease, hereditary. Last evaluated: 2023-10-23. Review status: criteria provided, single submitter. Criteria: ACMG Guidelines, 2015. Collection method: clinical testing. Allele origin: germline. Affected: yes.

Institute for Biomarker Research, Medical Diagnostic Laboratories, L.L.C.
Classification: Uncertain significance for Hereditary cancer-predisposing syndrome. Last evaluated: 2023-05-03. Review status: criteria provided, single submitter. Criteria: ACMG Guidelines, 2015. Collection method: clinical testing. Allele origin: germline.

Myriad Genetics, Inc.
Classification: Uncertain significance for Familial adenomatous polyposis 1. Last evaluated: 2023-02-22. Review status: criteria provided, single submitter. Criteria: Myriad Autosomal Dominant, Autosomal Recessive and X-Linked Classification Criteria (2023). Collection method: clinical testing. Allele origin: unknown.
Comment: This variant is classified as a variant of uncertain significance as there is insufficient evidence to determine its impact on protein function and/or cancer risk.

Sema4
Classification: Likely benign for Hereditary cancer-predisposing syndrome. Last evaluated: 2021-06-13. Review status: criteria provided, single submitter. Criteria: Sema4 Curation Guidelines. Collection method: curation. Allele origin: germline.

GeneDx
Classification: Likely benign. Last evaluated: 2020-12-02. Review status: criteria provided, single submitter. Criteria: GeneDx Variant Classification Process June 2021. Collection method: clinical testing. Allele origin: germline. Affected: yes.
Comment: This variant is associated with the following publications: (PMID: 27978560, 25203624)

Ambry Genetics
Classification: Benign for Hereditary cancer-predisposing syndrome. Last evaluated: 2015-08-03. Review status: criteria provided, single submitter. Criteria: Ambry Variant Classification Scheme 2023. Collection method: clinical testing. Allele origin: germline.

PreventionGenetics, part of Exact Sciences
Classification: Likely benign for APC-related condition. Last evaluated: 2020-01-13. Review status: no assertion criteria provided. Collection method: clinical testing. Allele origin: germline. Not counted in ClinVar's aggregate classification.
Comment: This variant is classified as likely benign based on ACMG/AMP sequence variant interpretation guidelines (Richards et al. 2015 PMID: 25741868, with internal and published modifications).

Counsyl
Classification: Uncertain significance for Familial adenomatous polyposis 1. Last evaluated: 2016-02-03. Review status: no assertion criteria provided. Collection method: clinical testing. Allele origin: unknown. Not counted in ClinVar's aggregate classification.

Literature cited by the submitters: PubMed 25203624 (cited by Quest Diagnostics Nichols Institute San Juan Capistrano and Counsyl); PubMed 27978560 (cited by 3 submitters).